The following is an entry in ClinVar:

NM_022437.3(ABCG8):c.165+1G>A

Gene: ABCG8 (ATP binding cassette subfamily G member 8; plus strand). Cytogenetic location: 2p21.
Variant type: single nucleotide variant.
Coding change: c.165+1G>A on transcript NM_022437.3 (MANE Select); the canonical splice donor site of the intron after coding-DNA position 165, G replaced by A.
Molecular consequence: splice donor variant.
Genome position (GRCh38, 1-based): chr2:43,844,609, G>A. VCF-style: chr2-43844609-G-A. GRCh37 (hg19) VCF-style: chr2-44071748-G-A.
Other names: c.165+1G>A (NM_001357321.2).
Identifiers: ClinVar variation 4748865 (VCV004748865.1).

ClinVar aggregate classification (germline): Likely pathogenic (1 of 4 stars; one submission).

gnomAD v4.1: 3 of 1,610,092 alleles (0.00019%); highest among the groups gnomAD compares: African/African-American, 0.0027%; no homozygotes.

Submission:

Labcorp Genetics (formerly Invitae), Labcorp
Classification: Likely pathogenic. Last evaluated: 2025-09-29. Review status: criteria provided, single submitter. Criteria: Invitae Variant Classification Sherloc (09022015). Collection method: clinical testing. Allele origin: germline.
Comment: This sequence change affects a donor splice site in intron 2 of the ABCG8 gene. It is expected to disrupt RNA splicing. Variants that disrupt the donor or acceptor splice site typically lead to a loss of protein function (PMID: 16199547), and loss-of-function variants in ABCG8 are known to be pathogenic (PMID: 11452359, 15375183, 16029460). This variant is not present in population databases (gnomAD no frequency). Disruption of this splice site has been observed in individual(s) with clinical features of ABCG8-related conditions (PMID: 32041611). Algorithms developed to predict the effect of sequence changes on RNA splicing suggest that this variant may disrupt the consensus splice site. In summary, the currently available evidence indicates that the variant is pathogenic, but additional data are needed to prove that conclusively. Therefore, this variant has been classified as Likely Pathogenic.

Literature cited by the submitters: PubMed 16199547; PubMed 11452359; PubMed 15375183; PubMed 16029460; PubMed 32041611.